The following is an entry in ClinVar:

NM_001136157.2(OTUD5):c.494G>T (p.Ser165Ile)

Gene: OTUD5 (OTU deubiquitinase 5; minus strand). Cytogenetic location: Xp11.23.
Variant type: single nucleotide variant.
Coding change: c.494G>T on transcript NM_001136157.2 (MANE Select); coding-DNA position 494, G replaced by T.
Protein change: p.Ser165Ile; replaces serine 165 with isoleucine.
Molecular consequence: missense variant. On other transcripts: intron variant (1).
Genome position (GRCh38, 1-based): chrX:48,957,077, C>A on the plus strand (G>T on the coding strand, the complement: OTUD5 is on the minus strand). VCF-style: chrX-48957077-C-A. GRCh37 (hg19) VCF-style: chrX-48814339-C-A.
Other names: c.494G>T, p.Ser165Ile (NM_001136158.2, NM_017602.4); c.-58+1155G>T (NM_001136159.2); short protein forms S165I.
Identifiers: ClinVar variation 2571905 (VCV002571905.1), dbSNP rs2519991674, ClinGen allele CA412919380.

ClinVar aggregate classification (germline): Uncertain significance (1 of 4 stars; one submission).

Allele frequency attached by ClinVar (database versions not stated): gnomAD exomes below 0.00001.
gnomAD v4.1: 1 of 1,183,854 alleles (0.000084%); no homozygotes.

Submission:

GeneDx
Classification: Uncertain significance. Last evaluated: 2023-01-06. Review status: criteria provided, single submitter. Criteria: GeneDx Variant Classification Process June 2021. Collection method: clinical testing. Allele origin: germline. Affected: yes.
Comment: Not observed at significant frequency in large population cohorts (gnomAD); In silico analysis supports that this missense variant has a deleterious effect on protein structure/function; Has not been previously published as pathogenic or benign to our knowledge